The following is an entry in ClinVar:

ClinVar aggregate classification (germline): Conflicting classifications of pathogenicity. Review status: criteria provided, conflicting classifications (1 of 4 stars). 10 submissions from 10 submitters: Uncertain significance (3); Benign (1); Likely benign (5). 1 of the submissions does not count toward it. Last evaluated 2026-09-01.

Conditions:
Autosomal recessive spinocerebellar ataxia 10. Identifiers: Orphanet 284289, MedGen C3150998, MONDO:0013392, OMIM 613728.
Inborn genetic diseases. Identifiers: MedGen C0950123, MeSH D030342.

Allele frequency attached by ClinVar (database versions not stated): 1000 Genomes Project 0.00120; 1000 Genomes Project 30x 0.00125; gnomAD exomes 0.00323 and 0.00482; ExAC 0.00333; gnomAD 0.00352 and 0.00359; TOPMed 0.00403; ESP Exome Variant Server 0.00515.
gnomAD v4.1: 7,545 of 1,614,140 alleles (0.47%); highest among the groups gnomAD compares: Middle Eastern, 0.66%; 23 homozygotes.

Submissions (10):

CeGaT Center for Human Genetics Tuebingen
Classification: Likely benign. Last evaluated: 2026-09-01. Review status: criteria provided, single submitter. Criteria: CeGaT Center For Human Genetics Tuebingen Variant Classification Criteria Version 2. Collection method: clinical testing. Allele origin: germline. Affected: yes. Observed: 16 variant alleles.
Comment: ANO10: BS2

Labcorp Genetics (formerly Invitae), Labcorp
Classification: Likely benign. Last evaluated: 2026-02-02. Review status: criteria provided, single submitter. Criteria: Invitae Variant Classification Sherloc (09022015). Collection method: clinical testing. Allele origin: germline.

Blueprint Genetics
Classification: Likely benign. Last evaluated: 2024-11-25. Review status: criteria provided, single submitter. Criteria: ACMG Guidelines, 2015. Collection method: clinical testing. Allele origin: germline.

Mayo Clinic Laboratories, Mayo Clinic
Classification: Benign. Last evaluated: 2024-04-17. Review status: criteria provided, single submitter. Criteria: ACMG Guidelines, 2015. Collection method: clinical testing. Allele origin: germline. Observed: 9 variant alleles.
Comment: BS1, BS2

Ambry Genetics
Classification: Uncertain significance for Inborn genetic diseases. Last evaluated: 2021-06-11. Review status: criteria provided, single submitter. Criteria: Ambry Variant Classification Scheme 2023. Collection method: clinical testing. Allele origin: germline.

Athena Diagnostics
Classification: Likely benign. Last evaluated: 2020-06-15. Review status: criteria provided, single submitter. Criteria: Athena Diagnostics Criteria. Collection method: clinical testing. Allele origin: unknown.

Illumina Laboratory Services, Illumina
Classification: Uncertain significance for Autosomal recessive spinocerebellar ataxia 10. Last evaluated: 2018-01-12. Review status: criteria provided, single submitter. Criteria: ICSL Variant Classification Criteria 13 December 2019. Collection method: clinical testing. Allele origin: germline.

Clinical Genetics DNA and cytogenetics Diagnostics Lab, Erasmus MC, Erasmus Medical Center
Classification: Likely benign for Autosomal recessive spinocerebellar ataxia 10. Last evaluated: 2016-09-29. Review status: criteria provided, single submitter. Criteria: ACGS Guidelines, 2013. Collection method: clinical testing. Allele origin: germline. Affected: yes. Study: VKGL Data-share Consensus.

GeneDx
Classification: Uncertain significance. Last evaluated: 2016-07-13. Review status: criteria provided, single submitter. Criteria: GeneDx Variant Classification (06012015). Collection method: clinical testing. Allele origin: germline. Affected: yes.
Comment: The Y327C variant in the ANO10 gene has not been reported previously as a pathogenic variant, nor as a benign variant, to our knowledge. Although not present in the homozygous state, the NHLBI ESP Exome Sequencing Project reports Y327C was observed in 60/8600 (0.7%) alleles from individuals of European American background, indicating it may be a rare variant in this population. The Y327C variant is a non-conservative amino acid substitution, which occurs at a position that is conserved across species. However, in silico analysis is inconsistent in its predictions as to whether or not the variant is damaging to the protein structure/function. We interpret Y327C as a variant of uncertain significance.

Diagnostic Laboratory, Department of Genetics, University Medical Center Groningen
Classification: Likely benign for Autosomal recessive spinocerebellar ataxia 10. Review status: no assertion criteria provided. Collection method: clinical testing. Allele origin: germline. Affected: yes. Study: VKGL Data-share Consensus. Not counted in ClinVar's aggregate classification.

NM_018075.5(ANO10):c.980A>G (p.Tyr327Cys)

Gene: ANO10 (anoctamin 10; minus strand). Cytogenetic location: 3p22.1.
Variant type: single nucleotide variant.
Coding change: c.980A>G on transcript NM_018075.5 (MANE Select); coding-DNA position 980, A replaced by G.
Protein change: p.Tyr327Cys; replaces tyrosine 327 with cysteine.
Molecular consequence: missense variant. On other transcripts: intron variant (1).
Genome position (GRCh38, 1-based): chr3:43,576,874, T>C on the plus strand (A>G on the coding strand, the complement: ANO10 is on the minus strand). VCF-style: chr3-43576874-T-C. GRCh37 (hg19) VCF-style: chr3-43618366-T-C.
Other names: c.980A>G, p.Tyr327Cys (NM_001346463.2, NM_001346464.2, NM_001346465.2 and 3 more transcripts); c.782A>G, p.Tyr261Cys (NM_001346466.2, NM_001346469.2, NM_001204832.3); c.593-2010A>G (NM_001204834.3); c.647A>G, p.Tyr216Cys (NM_001204833.3); short protein forms Y327C, Y261C, Y216C.
Identifiers: ClinVar variation 345189 (VCV000345189.63), dbSNP rs146569520, ClinGen allele CA2340908.